The following is an entry in ClinVar:

NM_006946.4(SPTBN2):c.3298G>T (p.Ala1100Ser)

Gene: SPTBN2 (spectrin beta, non-erythrocytic 2; minus strand). Cytogenetic location: 11q13.2.
Variant type: single nucleotide variant.
Coding change: c.3298G>T on transcript NM_006946.4 (MANE Select); coding-DNA position 3298, G replaced by T.
Protein change: p.Ala1100Ser; replaces alanine 1100 with serine.
Molecular consequence: missense variant.
Genome position (GRCh38, 1-based): chr11:66,700,801, C>A on the plus strand (G>T on the coding strand, the complement: SPTBN2 is on the minus strand). VCF-style: chr11-66700801-C-A. GRCh37 (hg19) VCF-style: chr11-66468272-C-A.
Other names: short protein forms A1100S.
Identifiers: ClinVar variation 1492179 (VCV001492179.8), dbSNP rs375182533, ClinGen allele CA6128895.

ClinVar aggregate classification (germline): Uncertain significance (1 of 4 stars; one submission).

Allele frequency attached by ClinVar (database versions not stated): gnomAD 0.00003 and 0.00004; gnomAD exomes 0.00003 and 0.00005; TOPMed 0.00003; ExAC 0.00004; ESP Exome Variant Server 0.00008.

Submission:

Labcorp Genetics (formerly Invitae), Labcorp
Classification: Uncertain significance. Last evaluated: 2022-12-02. Review status: criteria provided, single submitter. Criteria: Invitae Variant Classification Sherloc (09022015). Collection method: clinical testing. Allele origin: germline.
Comment: In summary, the available evidence is currently insufficient to determine the role of this variant in disease. Therefore, it has been classified as a Variant of Uncertain Significance. Advanced modeling of protein sequence and biophysical properties (such as structural, functional, and spatial information, amino acid conservation, physicochemical variation, residue mobility, and thermodynamic stability) performed at Invitae indicates that this missense variant is not expected to disrupt SPTBN2 protein function. This variant has not been reported in the literature in individuals affected with SPTBN2-related conditions. This variant is present in population databases (rs375182533, gnomAD 0.005%). This sequence change replaces alanine, which is neutral and non-polar, with serine, which is neutral and polar, at codon 1100 of the SPTBN2 protein (p.Ala1100Ser).